The following is an entry in ClinVar:

NM_000180.4(GUCY2D):c.295G>T (p.Ala99Ser)

Gene: GUCY2D (guanylate cyclase 2D, retinal; plus strand). Cytogenetic location: 17p13.1.
Variant type: single nucleotide variant.
Coding change: c.295G>T on transcript NM_000180.4 (MANE Select); coding-DNA position 295, G replaced by T.
Protein change: p.Ala99Ser; replaces alanine 99 with serine.
Molecular consequence: missense variant.
Genome position (GRCh38, 1-based): chr17:8,003,342, G>T. VCF-style: chr17-8003342-G-T. GRCh37 (hg19) VCF-style: chr17-7906660-G-T.
Other names: short protein forms A99S.
Identifiers: ClinVar variation 933302 (VCV000933302.8), dbSNP rs1304984076, ClinGen allele CA397943137.

ClinVar aggregate classification (germline): Uncertain significance. Review status: criteria provided, multiple submitters, no conflicts (2 of 4 stars). 2 submissions from 2 submitters: Uncertain significance (2). Last evaluated 2026-08-03.

Conditions:
Inborn genetic diseases. Identifiers: MedGen C0950123, MeSH D030342.
Cone-rod dystrophy 6 (CORD6). Also called: RETINAL CONE DYSTROPHY 2; Cone dystrophy progressive. Identifiers: Orphanet 1872, MedGen C1866293, MONDO:0011143, OMIM 601777.
Leber congenital amaurosis 1 (LCA1). Also called: RETINAL BLINDNESS, CONGENITAL; Congenital absence of the rods and cones; Leber's congenital tapetoretinal degeneration; Leber's congenital tapetoretinal dysplasia; AMAUROSIS CONGENITA OF LEBER I. Identifiers: Orphanet 65, MedGen C2931258, MONDO:0008764, OMIM 204000.

gnomAD v4.1: 14 of 1,480,816 alleles (0.00095%); highest among the groups gnomAD compares: Non-Finnish European, 0.0012%; no homozygotes.

Submissions (2):

Ambry Genetics
Classification: Uncertain significance for Inborn genetic diseases. Last evaluated: 2026-08-03. Review status: criteria provided, single submitter. Criteria: Ambry Variant Classification Scheme 2023. Collection method: clinical testing. Allele origin: germline.
Comment: The c.295G>T (p.A99S) alteration is located in exon 2 (coding exon 1) of the GUCY2D gene. This alteration results from a G to T substitution at nucleotide position 295, causing the alanine (A) at amino acid position 99 to be replaced by a serine (S). Based on data from gnomAD, the T allele has an overall frequency of <0.001% (0/83344) total alleles studied. The highest observed frequency was <0.001% (/) of alleles. Based on insufficient or conflicting evidence, the clinical significance of this alteration remains unclear.

Labcorp Genetics (formerly Invitae), Labcorp
Classification: Uncertain significance for Leber congenital amaurosis 1; Cone-rod dystrophy 6. Last evaluated: 2022-09-24. Review status: criteria provided, single submitter. Criteria: Invitae Variant Classification Sherloc (09022015). Collection method: clinical testing. Allele origin: germline.
Comment: This sequence change replaces alanine, which is neutral and non-polar, with serine, which is neutral and polar, at codon 99 of the GUCY2D protein (p.Ala99Ser). This variant is not present in population databases (gnomAD no frequency). This missense change has been observed in individual(s) with clinical features of cone-rod dystrophy (Invitae). ClinVar contains an entry for this variant (Variation ID: 933302). Advanced modeling of protein sequence and biophysical properties (such as structural, functional, and spatial information, amino acid conservation, physicochemical variation, residue mobility, and thermodynamic stability) performed at Invitae indicates that this missense variant is not expected to disrupt GUCY2D protein function. In summary, the available evidence is currently insufficient to determine the role of this variant in disease. Therefore, it has been classified as a Variant of Uncertain Significance.